The following is an entry in ClinVar:

ClinVar aggregate classification (germline): Uncertain significance (1 of 4 stars; one submission).

Conditions:
Glycogen storage disease IXb (GSD9B). Also called: GLYCOGENOSIS OF LIVER AND MUSCLE, AUTOSOMAL RECESSIVE; GSD IXb; PHOSPHORYLASE KINASE DEFICIENCY OF LIVER AND MUSCLE, AUTOSOMAL RECESSIVE. Identifiers: Orphanet 79240, MedGen C0543514, MONDO:0009868, OMIM 261750.

Allele frequency attached by ClinVar (database versions not stated): gnomAD exomes below 0.00001; TOPMed below 0.00001; ExAC 0.00001.
gnomAD v4.1: 2 of 1,593,328 alleles (0.00013%); highest among the groups gnomAD compares: Non-Finnish European, 0.00017%; no homozygotes.

Submission:

Labcorp Genetics (formerly Invitae), Labcorp
Classification: Uncertain significance for Glycogen storage disease IXb. Last evaluated: 2022-01-04. Review status: criteria provided, single submitter. Criteria: Invitae Variant Classification Sherloc (09022015). Collection method: clinical testing. Allele origin: germline.
Comment: This sequence change replaces glutamic acid, which is acidic and polar, with glycine, which is neutral and non-polar, at codon 1044 of the PHKB protein (p.Glu1044Gly). This variant is not present in population databases (gnomAD no frequency). This variant has not been reported in the literature in individuals affected with PHKB-related conditions. Algorithms developed to predict the effect of missense changes on protein structure and function output the following: SIFT: "Tolerated"; PolyPhen-2: "Benign"; Align-GVGD: "Class C0". The glycine amino acid residue is found in multiple mammalian species, which suggests that this missense change does not adversely affect protein function. In summary, the available evidence is currently insufficient to determine the role of this variant in disease. Therefore, it has been classified as a Variant of Uncertain Significance.

NM_000293.3(PHKB):c.3131A>G (p.Glu1044Gly)

Gene: PHKB (phosphorylase kinase regulatory subunit beta; plus strand). Cytogenetic location: 16q12.1.
Variant type: single nucleotide variant.
Coding change: c.3131A>G on transcript NM_000293.3 (MANE Select); coding-DNA position 3131, A replaced by G.
Protein change: p.Glu1044Gly; replaces glutamic acid 1044 with glycine.
Molecular consequence: missense variant.
Genome position (GRCh38, 1-based): chr16:47,698,575, A>G. VCF-style: chr16-47698575-A-G. GRCh37 (hg19) VCF-style: chr16-47732486-A-G.
Other names: c.3110A>G, p.Glu1037Gly (NM_001031835.3); c.3131A>G, p.Glu1044Gly (NM_001363837.1); short protein forms E1037G, E1044G.
Identifiers: ClinVar variation 1936414 (VCV001936414.2), dbSNP rs763252427, ClinGen allele CA8041438.